The following is an entry in ClinVar:

ClinVar aggregate classification (germline): Likely pathogenic (1 of 4 stars; one submission).

Submission:

GeneDx
Classification: Likely pathogenic. Last evaluated: 2016-11-21. Review status: criteria provided, single submitter. Criteria: GeneDx Variant Classification (06012015). Collection method: clinical testing. Allele origin: germline. Affected: yes.
Comment: The D1127G variant in the SMARCA4 gene has been reported previously in a patient with a clinical diagnosis of Coffin-Siris syndrome, however, it was not confirmed as a de novo change due to lack of familial segregation information (Santen et al., 2013). The D1127G variant was not observed in approximately 6500 individuals of European and African American ancestry in the NHLBI Exome Sequencing Project, indicating it is not a common benign variant in these populations. The D1127G variant is a non-conservative amino acid substitution, which is likely to impact secondary protein structure as these residues differ in polarity, charge, size and/or other properties. This substitution occurs at a position within the HELICc domain that is conserved across species, and in silico analysis predicts this variant is probably damaging to the protein structure/function. The D1127G variant is a strong candidate for a pathogenic variant. However the possibility it may be a rare benign variant cannot be excluded.

NM_003072.5(SMARCA4):c.3380A>G (p.Asp1127Gly)

Gene: SMARCA4 (SWI/SNF related, matrix associated, actin dependent regulator of chromatin, subfamily a, member 4; plus strand). Cytogenetic location: 19p13.2.
Variant type: single nucleotide variant.
Coding change: c.3380A>G on transcript NM_003072.5 (MANE Select); coding-DNA position 3380, A replaced by G.
Protein change: p.Asp1127Gly; replaces aspartic acid 1127 with glycine.
Molecular consequence: missense variant. On other transcripts: non-coding transcript variant (1).
Genome position (GRCh38, 1-based): chr19:11,027,948, A>G. VCF-style: chr19-11027948-A-G. GRCh37 (hg19) VCF-style: chr19-11138624-A-G.
Other names: c.3380A>G, p.Asp1127Gly (NM_001128844.3, NM_001128845.2, NM_001128846.2 and 5 more transcripts); short protein forms D1127G.
Identifiers: ClinVar variation 381629 (VCV000381629.2), dbSNP rs1057521113, ClinGen allele CA16607997.
Genomic context (GRCh38, chr19:11,027,948, plus strand): 5'-CCCTCATGACCATCATGGAAGATTACTTTGCGTATCGCGGCTTTAAATACCTCAGGCTTG[A>G]TGGTGAGTATGAGCCAGTGAGGCGTTTCTTACAGGGTTTTGTTGTTGTGGCTGCCACAGA-3'
Protein context (NP_003063.2, residues 1117-1137): AYRGFKYLRL[Asp1127Gly]GTTKAEDRGM